The following is an entry in ClinVar:

NM_015991.4(C1QA):c.598G>C (p.Val200Leu)

Gene: C1QA (complement C1q A chain; plus strand). Cytogenetic location: 1p36.12.
Variant type: single nucleotide variant.
Coding change: c.598G>C on transcript NM_015991.4 (MANE Select); coding-DNA position 598, G replaced by C.
Protein change: p.Val200Leu; replaces valine 200 with leucine.
Molecular consequence: missense variant.
Genome position (GRCh38, 1-based): chr1:22,639,267, G>C. VCF-style: chr1-22639267-G-C. GRCh37 (hg19) VCF-style: chr1-22965760-G-C.
Other names: c.598G>C, p.Val200Leu (NM_001347465.2, NM_001347466.2); short protein forms V200L.
Identifiers: ClinVar variation 1481951 (VCV001481951.6), dbSNP rs2148291362, ClinGen allele CA338930711.

ClinVar aggregate classification (germline): Uncertain significance (1 of 4 stars; one submission).

Submission:

Labcorp Genetics (formerly Invitae), Labcorp
Classification: Uncertain significance. Last evaluated: 2024-10-16. Review status: criteria provided, single submitter. Criteria: Invitae Variant Classification Sherloc (09022015). Collection method: clinical testing. Allele origin: germline.
Comment: This sequence change replaces valine, which is neutral and non-polar, with leucine, which is neutral and non-polar, at codon 200 of the C1QA protein (p.Val200Leu). This variant is not present in population databases (gnomAD no frequency). This variant has not been reported in the literature in individuals affected with C1QA-related conditions. ClinVar contains an entry for this variant (Variation ID: 1481951). An algorithm developed to predict the effect of missense changes on protein structure and function (PolyPhen-2) suggests that this variant is likely to be disruptive. In summary, the available evidence is currently insufficient to determine the role of this variant in disease. Therefore, it has been classified as a Variant of Uncertain Significance.